The following is an entry in ClinVar:

ClinVar aggregate classification (germline): Likely benign (1 of 4 stars; one submission).

Allele frequency attached by ClinVar (database versions not stated): gnomAD exomes 0.00001; gnomAD 0.00002 and 0.00005; ExAC 0.00003; TOPMed 0.00004; 1000 Genomes Project 0.00040; 1000 Genomes Project 30x 0.00047.
gnomAD v4.1: 26 of 1,613,036 alleles (0.0016%); highest among the groups gnomAD compares: African/African-American, 0.0053%; no homozygotes.

Submission:

GeneDx
Classification: Likely benign. Last evaluated: 2017-11-01. Review status: criteria provided, single submitter. Criteria: GeneDx Variant Classification (06012015). Collection method: clinical testing. Allele origin: germline. Affected: yes.
Comment: This variant is considered likely benign or benign based on one or more of the following criteria: it is a conservative change, it occurs at a poorly conserved position in the protein, it is predicted to be benign by multiple in silico algorithms, and/or has population frequency not consistent with disease.

NM_001127453.2(GSDME):c.1017G>A (p.Ser339=)

Gene: GSDME (gasdermin E; minus strand). Cytogenetic location: 7p15.3.
Variant type: single nucleotide variant.
Coding change: c.1017G>A on transcript NM_001127453.2 (MANE Select); coding-DNA position 1017, G replaced by A.
Protein change: p.Ser339=; no amino-acid change (serine 339 retained).
Molecular consequence: synonymous variant.
Genome position (GRCh38, 1-based): chr7:24,706,350, C>T on the plus strand (G>A on the coding strand, the complement: GSDME is on the minus strand). VCF-style: chr7-24706350-C-T. GRCh37 (hg19) VCF-style: chr7-24745969-C-T.
Other names: c.525G>A, p.Ser175= (NM_001127454.2); c.1017G>A, p.Ser339= (NM_004403.3).
Identifiers: ClinVar variation 513146 (VCV000513146.1), dbSNP rs201545458, ClinGen allele CA4191429.